The following is an entry in ClinVar:

ClinVar aggregate classification (germline): Uncertain significance. Review status: criteria provided, multiple submitters, no conflicts (2 of 4 stars). 2 submissions from 2 submitters: Uncertain significance (2). Last evaluated 2023-12-09.

Conditions:
Hereditary nonpolyposis colorectal neoplasms. Identifiers: MedGen C0009405, MeSH D003123.
Hereditary cancer-predisposing syndrome. Also called: Hereditary Cancer Syndrome; Hereditary neoplastic syndrome; Tumor predisposition; Neoplastic Syndromes, Hereditary. Identifiers: Orphanet 140162, MedGen C0027672, MeSH D009386, MONDO:0015356.

Allele frequency attached by ClinVar (database versions not stated): TOPMed 0.00001.
gnomAD v4.1: 3 of 1,613,924 alleles (0.00019%); highest among the groups gnomAD compares: African/African-American, 0.0013%; no homozygotes.

Submissions (2):

Labcorp Genetics (formerly Invitae), Labcorp
Classification: Uncertain significance for Hereditary nonpolyposis colorectal neoplasms. Last evaluated: 2023-12-09. Review status: criteria provided, single submitter. Criteria: Invitae Variant Classification Sherloc (09022015). Collection method: clinical testing. Allele origin: germline.
Comment: This sequence change replaces proline, which is neutral and non-polar, with glutamine, which is neutral and polar, at codon 1082 of the MSH6 protein (p.Pro1082Gln). This variant is not present in population databases (gnomAD no frequency). This variant has not been reported in the literature in individuals affected with MSH6-related conditions. ClinVar contains an entry for this variant (Variation ID: 842837). Advanced modeling of protein sequence and biophysical properties (such as structural, functional, and spatial information, amino acid conservation, physicochemical variation, residue mobility, and thermodynamic stability) performed at Invitae indicates that this missense variant is not expected to disrupt MSH6 protein function with a negative predictive value of 95%. In summary, the available evidence is currently insufficient to determine the role of this variant in disease. Therefore, it has been classified as a Variant of Uncertain Significance.

Color Diagnostics, LLC DBA Color Health
Classification: Uncertain significance for Hereditary cancer-predisposing syndrome. Last evaluated: 2020-06-29. Review status: criteria provided, single submitter. Criteria: ACMG Guidelines, 2015. Collection method: clinical testing. Allele origin: germline.
Comment: This missense variant replaces proline with glutamine at codon 1082 of the MSH6 protein. Computational prediction is inconclusive regarding the impact of this variant on protein structure and function (internally defined REVEL score threshold 0.5 < inconclusive < 0.7, PMID: 27666373). To our knowledge, functional studies have not been reported for this variant. This variant has not been reported in individuals affected with hereditary cancer in the literature. This variant has not been identified in the general population by the Genome Aggregation Database (gnomAD). The available evidence is insufficient to determine the role of this variant in disease conclusively. Therefore, this variant is classified as a Variant of Uncertain Significance.

NM_000179.3(MSH6):c.3245C>A (p.Pro1082Gln)

Gene: MSH6 (mutS homolog 6; plus strand). Cytogenetic location: 2p16.3.
Variant type: single nucleotide variant.
Coding change: c.3245C>A on transcript NM_000179.3 (MANE Select); coding-DNA position 3245, C replaced by A.
Protein change: p.Pro1082Gln; replaces proline 1082 with glutamine.
Molecular consequence: missense variant.
Genome position (GRCh38, 1-based): chr2:47,803,492, C>A. VCF-style: chr2-47803492-C-A. GRCh37 (hg19) VCF-style: chr2-48030631-C-A.
Other names: c.2855C>A, p.Pro952Gln (NM_001281492.2); c.2339C>A, p.Pro780Gln (NM_001281493.2, NM_001281494.2); short protein forms P952Q, P1082Q, P780Q.
Identifiers: ClinVar variation 842837 (VCV000842837.13), dbSNP rs191109849, ClinGen allele CA346758111.